The following is an entry in ClinVar:

NM_053025.4(MYLK):c.4217C>T (p.Ala1406Val)

Gene: MYLK (myosin light chain kinase; minus strand). Cytogenetic location: 3q21.1.
Variant type: single nucleotide variant.
Coding change: c.4217C>T on transcript NM_053025.4 (MANE Select); coding-DNA position 4217, C replaced by T.
Protein change: p.Ala1406Val; replaces alanine 1406 with valine.
Molecular consequence: missense variant.
Genome position (GRCh38, 1-based): chr3:123,657,197, G>A on the plus strand (C>T on the coding strand, the complement: MYLK is on the minus strand). VCF-style: chr3-123657197-G-A. GRCh37 (hg19) VCF-style: chr3-123376044-G-A.
Other names: c.3689C>T, p.Ala1230Val (NM_001321309.2); c.4010C>T, p.Ala1337Val (NM_053026.4, NM_053028.4); c.4217C>T, p.Ala1406Val (NM_053027.4); short protein forms A1230V, A1337V, A1406V.
Identifiers: ClinVar variation 3254558 (VCV003254558.1), dbSNP rs2473536113.
Genomic context (GRCh38, chr3:123,657,197, plus strand): 5'-TCTCCTACCGTTGTGAGTTCAGACTCCTGGCTTGGCTCACTGGTTCCATACACGTTGATT[G>A]CACGTACACGGAACTTATATTCGTGGTCAGGCAGCAGGTCCTGGACGTTGAAAGAGGTGC-3'
Protein context (NP_444253.3, residues 1396-1416): PDHEYKFRVR[Ala1406Val]INVYGTSEPS

ClinVar aggregate classification (germline): Uncertain significance (1 of 4 stars; one submission).

Conditions:
Aortic aneurysm, familial thoracic 7 (AAT7). Also called: AORTIC DISSECTION, FAMILIAL, WITH OR WITHOUT AORTIC ANEURYSM. Identifiers: MedGen C3151077, MONDO:0013418, OMIM 613780.

Submission:

Victorian Clinical Genetics Services, Murdoch Childrens Research Institute
Classification: Uncertain significance for Aortic aneurysm, familial thoracic 7. Last evaluated: 2023-07-17. Review status: criteria provided, single submitter. Criteria: ACMG Guidelines, 2015. Collection method: clinical testing. Allele origin: germline. Inheritance: Autosomal dominant inheritance. Affected: yes.
Comment: Based on the classification scheme VCGS_Germline_v1.3.4, this variant is classified as VUS-3B. Following criteria are met: 0102 - Loss of function is a known mechanism of disease in this gene and is associated with autosomal dominant familial thoracic aortic aneurysm 7 (MIM#613780). It has also been reported for autosomal recessive megacystis-microcolon-intestinal hypoperistalsis syndrome 1 (MIM#249210); however, this gene-disease association has not been conclusively established (PanelApp Australia). (I) 0107 - This gene is associated with autosomal dominant familial thoracic aortic aneurysm 7 (MIM#613780) although homozygotes with more early-onset severe disease have also been reported (PMID: 29544503; OMIM). It has also been associated with autosomal recessive megacystis-microcolon-intestinal hypoperistalsis syndrome 1 (MIM#249210); however, this gene-disease association has not been conclusively established (PanelApp Australia). (I) 0112 - The familial thoracic aortic aneurysm 7 associated with this gene has incomplete penetrance (PMIDs: 29544503, 21055718; OMIM). (I) 0115 - Variants associated with familial thoracic aortic aneurysm 7 in this gene are known to have variable expressivity (PMIDs: 29544503, 21055718). (I) 0200 - Variant is predicted to result in a missense amino acid change from alanine to valine. (I) 0251 - This variant is heterozygous. (I) 0301 - Variant is absent from gnomAD (both v2 and v3). (SP) 0309 - An alternative amino acid change at the same position has been observed in gnomAD (v3) (p.(Ala1406Ser): 1 heterozygote, 0 homozygotes). (I) 0502 - Missense variant with conflicting in silico predictions and uninformative conservation. (I) 0600 - Variant is located in the annotated fibronectin type III domain (DECIPHER). (I) 0705 - No comparable missense variants have previous evidence for pathogenicity. (I) 0807 - This variant has no previous evidence of pathogenicity. (I) 0905 - No published segregation evidence has been identified for this variant. (I) 1007 - No published functional evidence has been identified for this variant. (I) 1208 - Inheritance information for this variant is not currently available in this individual. (I) Legend: (SP) - Supporting pathogenic, (I) - Information, (SB) - Supporting benign

Literature cited by the submitters: PubMed 21055718; PubMed 29544503.